The following is an entry in ClinVar:

NM_000228.3(LAMB3):c.1319_1325delinsAGG (p.Arg440fs)

Gene: LAMB3 (laminin subunit beta 3; minus strand). Cytogenetic location: 1q32.2.
Variant type: Indel.
Coding change: c.1319_1325delinsAGG on transcript NM_000228.3 (MANE Select); coding-DNA positions 1319 to 1325, GGGACAT replaced by AGG.
Protein change: p.Arg440fs; shifts the reading frame from arginine 440.
Molecular consequence: frameshift variant.
Genome position (GRCh38, 1-based): chr1:209,627,543-209,627,549, ATGTCCC replaced by CCT on the plus strand (GGGACAT replaced by AGG on the coding strand, the reverse complement: LAMB3 is on the minus strand). VCF-style: chr1-209627543-ATGTCCC-CCT. GRCh37 (hg19) VCF-style: chr1-209800888-ATGTCCC-CCT.
Other names: c.1319_1325delinsAGG, p.Arg440fs (NM_001017402.2, NM_001127641.1); short protein forms R440fs.
Identifiers: ClinVar variation 1725437 (VCV001725437.3), dbSNP rs2464832505, ClinGen allele CA2580062004.

ClinVar aggregate classification (germline): Likely pathogenic (1 of 4 stars; one submission).

Conditions:
Junctional epidermolysis bullosa. Identifiers: Orphanet 305, MedGen C0079301, MONDO:0017612.

Submission:

Myriad Genetics, Inc.
Classification: Likely pathogenic for Junctional epidermolysis bullosa. Last evaluated: 2022-03-21. Review status: criteria provided, single submitter. Criteria: Myriad Autosomal Dominant, Autosomal Recessive and X-Linked Classification Criteria (2023). Collection method: clinical testing. Allele origin: unknown.
Comment: NM_000228.2(LAMB3):c.1319_1325del7ins3(R440Kfs*69) is expected to be pathogenic in the context of junctional epidermolysis bullosa, LAMB3-related. This variant is predicted to lead to an abnormal or absent protein product due to the creation of a premature termination codon in LAMB3, a gene where loss-of-function variants are known to be pathogenic. Please note: this variant was assessed in the context of healthy population screening.